The following is an entry in ClinVar:

NM_003998.4(NFKB1):c.2155G>A (p.Asp719Asn)

Gene: NFKB1 (nuclear factor kappa B subunit 1; plus strand). Cytogenetic location: 4q24.
Variant type: single nucleotide variant.
Coding change: c.2155G>A on transcript NM_003998.4 (MANE Select); coding-DNA position 2155, G replaced by A.
Protein change: p.Asp719Asn; replaces aspartic acid 719 with asparagine.
Molecular consequence: missense variant.
Genome position (GRCh38, 1-based): chr4:102,607,679, G>A. VCF-style: chr4-102607679-G-A. GRCh37 (hg19) VCF-style: chr4-103528836-G-A.
Other names: c.2152G>A, p.Asp718Asn (NM_001165412.2, NM_001319226.2, NM_001382627.1); c.2155G>A, p.Asp719Asn (NM_001382625.1, NM_001382626.1); c.2113G>A, p.Asp705Asn (NM_001382628.1); short protein forms D705N, D718N, D719N.
Identifiers: ClinVar variation 3613944 (VCV003613944.2).

ClinVar aggregate classification (germline): Uncertain significance (1 of 4 stars; one submission).

Submission:

Labcorp Genetics (formerly Invitae), Labcorp
Classification: Uncertain significance. Last evaluated: 2024-05-08. Review status: criteria provided, single submitter. Criteria: Invitae Variant Classification Sherloc (09022015). Collection method: clinical testing. Allele origin: germline.
Comment: This sequence change replaces aspartic acid, which is acidic and polar, with asparagine, which is neutral and polar, at codon 719 of the NFKB1 protein (p.Asp719Asn). This variant is present in population databases (rs760077365, gnomAD 0.002%). This variant has not been reported in the literature in individuals affected with NFKB1-related conditions. Advanced modeling of protein sequence and biophysical properties (such as structural, functional, and spatial information, amino acid conservation, physicochemical variation, residue mobility, and thermodynamic stability) performed at Invitae indicates that this missense variant is not expected to disrupt NFKB1 protein function with a negative predictive value of 80%. In summary, the available evidence is currently insufficient to determine the role of this variant in disease. Therefore, it has been classified as a Variant of Uncertain Significance.